The following is an entry in ClinVar:

NM_004370.6(COL12A1):c.8368C>T (p.Pro2790Ser)

Gene: COL12A1 (collagen type XII alpha 1 chain; minus strand). Cytogenetic location: 6q13.
Variant type: single nucleotide variant.
Coding change: c.8368C>T on transcript NM_004370.6 (MANE Select); coding-DNA position 8368, C replaced by T.
Protein change: p.Pro2790Ser; replaces proline 2790 with serine.
Molecular consequence: missense variant.
Genome position (GRCh38, 1-based): chr6:75,102,644, G>A on the plus strand (C>T on the coding strand, the complement: COL12A1 is on the minus strand). VCF-style: chr6-75102644-G-A. GRCh37 (hg19) VCF-style: chr6-75812360-G-A.
Other names: c.4876C>T, p.Pro1626Ser (NM_080645.3); short protein forms P1626S, P2790S.
Identifiers: ClinVar variation 1463289 (VCV001463289.6), dbSNP rs1582050849, ClinGen allele CA364739590.
Genomic context (GRCh38, chr6:75,102,644, plus strand): 5'-GCTTTGTGCTTACTTGCTCTCCCGGAATAGAGAGTCCATTGGGTCCCTGAGGGCCTGGAG[G>A]ACCCTGGGGGCCTGGAGGACCTATGTCTCCACGAGGACCAGGGGGCCCCTAAAATACACA-3'
Protein context (NP_004361.3, residues 2780-2800): GDIGPPGPQG[Pro2790Ser]PGPQGPNGLS

ClinVar aggregate classification (germline): Uncertain significance (1 of 4 stars; one submission).

Conditions:
Ullrich congenital muscular dystrophy 2 (UCMD2). Identifiers: Orphanet 75840, MedGen C4225314, MONDO:0014654, OMIM 616470.
Bethlem myopathy 2 (BTHLM2). Identifiers: Orphanet 536516, Orphanet 610, MedGen C4225313, MONDO:0034022, OMIM 616471.

Allele frequency attached by ClinVar (database versions not stated): gnomAD exomes below 0.00001.
gnomAD v4.1: 2 of 1,573,130 alleles (0.00013%); highest among the groups gnomAD compares: East Asian, 0.0024%; no homozygotes.

Submission:

Labcorp Genetics (formerly Invitae), Labcorp
Classification: Uncertain significance for Bethlem myopathy 2; Ullrich congenital muscular dystrophy 2. Last evaluated: 2021-09-24. Review status: criteria provided, single submitter. Criteria: Invitae Variant Classification Sherloc (09022015). Collection method: clinical testing. Allele origin: germline.
Comment: In summary, the available evidence is currently insufficient to determine the role of this variant in disease. Therefore, it has been classified as a Variant of Uncertain Significance. Algorithms developed to predict the effect of missense changes on protein structure and function are either unavailable or do not agree on the potential impact of this missense change (SIFT: "Deleterious"; PolyPhen-2: "Probably Damaging"; Align-GVGD: "Class C0"). This variant has not been reported in the literature in individuals affected with COL12A1-related conditions. This variant is not present in population databases (ExAC no frequency). This sequence change replaces proline with serine at codon 2790 of the COL12A1 protein (p.Pro2790Ser). The proline residue is highly conserved and there is a moderate physicochemical difference between proline and serine.